The following is an entry in ClinVar:

NM_020778.5(ALPK3):c.3726del (p.Lys1243fs)

Gene: ALPK3 (alpha kinase 3; plus strand). Cytogenetic location: 15q25.3.
Variant type: Deletion.
Coding change: c.3726del on transcript NM_020778.5 (MANE Select); coding-DNA position 3726, one base deleted (C; older notation c.3726delC).
Protein change: p.Lys1243fs; shifts the reading frame from lysine 1243.
Molecular consequence: frameshift variant.
Genome position (GRCh38, 1-based): chr15:84,858,464, C deleted; the last of 4 consecutive C bases (chr15:84,858,461-84,858,464); deleting any one gives the same sequence. VCF-style (leftmost placement, unchanged base first): chr15-84858460-GC-G. GRCh37 (hg19) VCF-style: chr15-85401691-GC-G.
Other names: c.3726delC (NM_020778.5); c.4332delC (NM_020778.4); short protein forms K1243fs.
Identifiers: ClinVar variation 504881 (VCV000504881.21), dbSNP rs745688425, ClinGen allele CA7709703.

ClinVar aggregate classification (germline): Pathogenic/Likely pathogenic. Review status: criteria provided, multiple submitters, no conflicts (2 of 4 stars). 10 submissions from 10 submitters: Pathogenic (6); Likely pathogenic (4). Last evaluated 2026-09-15.

Conditions:
ALPK3-related disorder. Also called: ALPK3-related condition.
Hypertrophic cardiomyopathy. Also called: HYPERTROPHIC MYOCARDIOPATHY. Identifiers: Orphanet 217569, MedGen C0007194, MeSH D002312, MONDO:0005045, HP:0001639.
Cardiomyopathy, familial hypertrophic 27. Identifiers: MedGen C4748014, MONDO:0054838, OMIM 618052.
Cardiomyopathy (CMYO). Also called: Cardiomyopathies. Identifiers: Orphanet 167848, MedGen C0878544, MONDO:0004994, HP:0001638. Inheritance: Various modes of inheritance.

Submissions (10):

PreventionGenetics, part of Exact Sciences
Classification: Likely pathogenic for ALPK3-related condition. Last evaluated: 2026-09-15. Review status: criteria provided, single submitter. Criteria: ACMG Guidelines, 2015. Collection method: clinical testing. Allele origin: germline.
Comment: The ALPK3 c.4332delC variant is predicted to result in a frameshift and premature protein termination (p.Lys1445Argfs*29). This variant was reported in the compound heterozygous state in an individual with pediatric cardiomyopathy (Table 2, F7P3, Herkert et al. 2020. PubMed ID: 32480058). This variant is reported in 0.0025% of alleles in individuals of European (Non-Finnish) descent in gnomAD. Frameshift variants in ALPK3 are expected to be pathogenic. This variant is interpreted as likely pathogenic.

Women's Health and Genetics/Laboratory Corporation of America, LabCorp
Classification: Pathogenic for Cardiomyopathy. Last evaluated: 2025-10-08. Review status: criteria provided, single submitter. Criteria: LabCorp Variant Classification Summary - May 2015. Collection method: clinical testing. Allele origin: germline.
Comment: Variant summary: ALPK3 c.3726delC (p.Lys1243ArgfsX29) results in a premature termination codon, predicted to cause a truncation of the encoded protein or absence of the protein due to nonsense mediated decay, which are commonly known mechanisms for disease. The variant allele was found at a frequency of 1.1e-05 in 180080 control chromosomes. c.3726delC has been observed in individual(s) affected with Cardiomyopathy (e.g. Herkert_2020). To our knowledge, no experimental evidence demonstrating an impact on protein function has been reported. The following publication has been ascertained in the context of this evaluation (PMID: 32480058). ClinVar contains an entry for this variant (Variation ID: 504881). Based on the evidence outlined above, the variant was classified as pathogenic.

GeneDx
Classification: Pathogenic. Last evaluated: 2025-06-13. Review status: criteria provided, single submitter. Criteria: GeneDx Variant Classification Process June 2021. Collection method: clinical testing. Allele origin: germline. Affected: yes.
Comment: Frameshift variant predicted to result in protein truncation or nonsense mediated decay in a gene for which loss-of-function is a known mechanism of disease; Not observed at significant frequency in large population cohorts (gnomAD); This variant is associated with the following publications: (PMID: 33076350, 32480058)

Labcorp Genetics (formerly Invitae), Labcorp
Classification: Pathogenic. Last evaluated: 2024-10-15. Review status: criteria provided, single submitter. Criteria: Invitae Variant Classification Sherloc (09022015). Collection method: clinical testing. Allele origin: germline.
Comment: This sequence change creates a premature translational stop signal (p.Lys1445Argfs*29) in the ALPK3 gene. It is expected to result in an absent or disrupted protein product. Loss-of-function variants in ALPK3 are known to be pathogenic (PMID: 21441111, 26846950, 27106955, 34263907). This variant is present in population databases (rs745688425, gnomAD 0.003%). This premature translational stop signal has been observed in individual(s) with ALPK3-related conditions (PMID: 32480058). ClinVar contains an entry for this variant (Variation ID: 504881). For these reasons, this variant has been classified as Pathogenic.

KardioGenetik, Herz- und Diabeteszentrum NRW
Classification: Likely pathogenic for Cardiomyopathy, familial hypertrophic 27. Last evaluated: 2024-09-10. Review status: criteria provided, single submitter. Criteria: ACMG Guidelines, 2015. Collection method: clinical testing. Allele origin: unknown. Affected: yes. Observed: 1 variant allele.

Human Genetics Bochum, Ruhr University Bochum
Classification: Pathogenic for Cardiomyopathy, familial hypertrophic 27. Last evaluated: 2024-05-23. Review status: criteria provided, single submitter. Criteria: ACMG Guidelines, 2015. Collection method: clinical testing. Allele origin: germline. Affected: yes.
Comment: ACMG criteria used to clasify this variant: PVS1, PM3, PM2_SUP

Institute of Human Genetics Munich, TUM University Hospital
Classification: Pathogenic for Cardiomyopathy, familial hypertrophic 27. Last evaluated: 2024-04-17. Review status: criteria provided, single submitter. Criteria: Classification criteria August 2017. Collection method: clinical testing. Allele origin: germline. Inheritance: Autosomal recessive inheritance. Affected: yes. Observed: 1 variant allele.

Clinical Genetics Laboratory, Skane University Hospital Lund
Classification: Likely pathogenic. Last evaluated: 2024-03-07. Review status: criteria provided, single submitter. Criteria: ACMG Guidelines, 2015. Collection method: clinical testing. Allele origin: germline. Affected: yes.

Blueprint Genetics
Classification: Pathogenic for ALPK3-related disorders. Last evaluated: 2023-01-25. Review status: criteria provided, single submitter. Criteria: ACMG Guidelines, 2015. Collection method: clinical testing. Allele origin: germline. Affected: yes. Observed: 5 variant alleles.

Laboratory for Molecular Medicine, Mass General Brigham Personalized Medicine
Classification: Likely pathogenic for Hypertrophic cardiomyopathy. Last evaluated: 2018-01-23. Review status: criteria provided, single submitter. Criteria: LMM Criteria. Collection method: clinical testing. Allele origin: germline. Inheritance: Autosomal recessive inheritance. Observed: 2 variant alleles.
Comment: The p.Lys1445fs variant in ALPK3 has not been previously reported in individuals with cardiomyopathy, but was identified in 2/76928 European chromosomes by the Genome Aggregation Database (gnomAD). This var iant is predicted to cause a frameshift, which alters the protein?s amino acid s equence beginning at position 1445 and leads to a premature termination codon 29 amino acids downstream. This alteration is then predicted to lead to a truncate d or absent protein. Biallelic loss-of-function (LOF) variants in the ALPK3 gene have been reported in multiple individuals and a mouse model with cardiomyopath y (HCM or mixed HCM/DCM; Almomani 2016, Phelan 2016, Van Sligtenhorst 2012). In summary, although additional studies are required to fully establish its clinica l significance, the p.Lys1445fs variant is likely pathogenic. ACMG/AMP Criteria applied: PM2, PVS1_Strong.

Literature cited by the submitters: PubMed 32480058 (cited by 3 submitters); PubMed 21441111 (cited by Labcorp Genetics (formerly Invitae), Labcorp and Laboratory for Molecular Medicine, Mass General Brigham Personalized Medicine); PubMed 26846950 (cited by Labcorp Genetics (formerly Invitae), Labcorp and Laboratory for Molecular Medicine, Mass General Brigham Personalized Medicine); PubMed 27106955 (cited by Labcorp Genetics (formerly Invitae), Labcorp and Laboratory for Molecular Medicine, Mass General Brigham Personalized Medicine); PubMed 34263907 (cited by Labcorp Genetics (formerly Invitae), Labcorp).